The following is an entry in ClinVar:

ClinVar aggregate classification (germline): Uncertain significance (1 of 4 stars; one submission).

Conditions:
Familial intrahepatic cholestasis. Identifiers: Orphanet 284385, MedGen CN296401, MONDO:0017290.
Low phospholipid associated cholelithiasis (GBD1). Also called: Gallbladder disease 1; Gallstone cholecystitis. Identifiers: Orphanet 69663, MedGen C2609268, MONDO:0010939, OMIM 600803.

gnomAD v4.1: 1 of 1,608,698 alleles (0.000062%); highest among the groups gnomAD compares: Non-Finnish European, 0.000085%; no homozygotes.

Submission:

Genomenon, Inc
Classification: Uncertain significance for Familial intrahepatic cholestasis; Low phospholipid associated cholelithiasis. Last evaluated: 2026-04-14. Review status: criteria provided, single submitter. Criteria: Genomenon Sequence Variant Interpretation Standards - Updated. Collection method: curation. Allele origin: germline. Affected: no.
Comment: ABCB4 p.Ile367Val (c.1099A>G) is a missense variant that changes the amino acid at residue 367 from Isoleucine to Valine. This variant has been reported in the published literature (PMID:16763017;14999697). It is absent or not present at a significant frequency in gnomAD. In silico models predict that this variant is not damaging. In conclusion, we classify ABCB4 p.Ile367Val (c.1099A>G) as a variant of uncertain significance.

Literature cited by the submitters: PubMed 16763017; PubMed 14999697.

NM_000443.4(ABCB4):c.1099A>G (p.Ile367Val)

Gene: ABCB4 (ATP binding cassette subfamily B member 4; minus strand). Cytogenetic location: 7q21.12.
Variant type: single nucleotide variant.
Coding change: c.1099A>G on transcript NM_000443.4 (MANE Select); coding-DNA position 1099, A replaced by G.
Protein change: p.Ile367Val; replaces isoleucine 367 with valine.
Molecular consequence: missense variant.
Genome position (GRCh38, 1-based): chr7:87,444,882, T>C on the plus strand (A>G on the coding strand, the complement: ABCB4 is on the minus strand). VCF-style: chr7-87444882-T-C. GRCh37 (hg19) VCF-style: chr7-87074198-T-C.
Other names: c.1099A>G, p.Ile367Val (NM_018849.3, NM_018850.3); short protein forms I367V.
Identifiers: ClinVar variation 4846501 (VCV004846501.1).
Genomic context (GRCh38, chr7:87,444,882, plus strand): 5'-TCAAAGACTTCTTTTGGCACTAAAATAATAAATGACTTACATTATCAATAATATCAAAGA[T>C]CACATATGCTGCTCCTCTTGCATTGGCAAAAGCATCAATACATGGGGCAGCCTGGCCAAC-3'
Protein context (NP_000434.1, residues 357-377): FANARGAAYV[Ile367Val]FDIIDNNPKI